The following is an entry in ClinVar:

NM_004006.3(DMD):c.2066C>T (p.Thr689Ile)

Gene: DMD (dystrophin; minus strand). Cytogenetic location: Xp21.1.
Variant type: single nucleotide variant.
Coding change: c.2066C>T on transcript NM_004006.3 (MANE Select); coding-DNA position 2066, C replaced by T.
Protein change: p.Thr689Ile; replaces threonine 689 with isoleucine.
Molecular consequence: missense variant.
Genome position (GRCh38, 1-based): chrX:32,545,261, G>A on the plus strand (C>T on the coding strand, the complement: DMD is on the minus strand). VCF-style: chrX-32545261-G-A. GRCh37 (hg19) VCF-style: chrX-32563378-G-A.
Other names: c.2042C>T, p.Thr681Ile (NM_000109.4); c.2054C>T, p.Thr685Ile (NM_004009.3); c.1697C>T, p.Thr566Ile (NM_004010.3); short protein forms T566I, T689I, T685I, T681I.
Identifiers: ClinVar variation 1394614 (VCV001394614.8), dbSNP rs2048861309, ClinGen allele CA412668370.

ClinVar aggregate classification (germline): Uncertain significance (1 of 4 stars; one submission).

Conditions:
Duchenne muscular dystrophy (DMD). Also called: MUSCULAR DYSTROPHY, PSEUDOHYPERTROPHIC PROGRESSIVE, DUCHENNE TYPE; Duchenne Muscular Dystrophy (DMD). Identifiers: Orphanet 98896, MedGen C0013264, MONDO:0010679, OMIM 310200.

Allele frequency attached by ClinVar (database versions not stated): TOPMed below 0.00001; gnomAD 0.00001.
gnomAD v4.1: 1 of 1,208,467 alleles (0.000083%); highest among the groups gnomAD compares: South Asian, 0.0018%; no homozygotes.

Submission:

Labcorp Genetics (formerly Invitae), Labcorp
Classification: Uncertain significance for Duchenne muscular dystrophy. Last evaluated: 2023-04-19. Review status: criteria provided, single submitter. Criteria: Invitae Variant Classification Sherloc (09022015). Collection method: clinical testing. Allele origin: germline.
Comment: In summary, the available evidence is currently insufficient to determine the role of this variant in disease. Therefore, it has been classified as a Variant of Uncertain Significance. Advanced modeling of protein sequence and biophysical properties (such as structural, functional, and spatial information, amino acid conservation, physicochemical variation, residue mobility, and thermodynamic stability) performed at Invitae indicates that this missense variant is not expected to disrupt DMD protein function. ClinVar contains an entry for this variant (Variation ID: 1394614). This variant has not been reported in the literature in individuals affected with DMD-related conditions. This variant is not present in population databases (gnomAD no frequency). This sequence change replaces threonine, which is neutral and polar, with isoleucine, which is neutral and non-polar, at codon 689 of the DMD protein (p.Thr689Ile).